The following is an entry in ClinVar:

NM_000393.5(COL5A2):c.1289C>G (p.Ala430Gly)

Gene: COL5A2 (collagen type V alpha 2 chain; minus strand). Cytogenetic location: 2q32.2.
Variant type: single nucleotide variant.
Coding change: c.1289C>G on transcript NM_000393.5 (MANE Select); coding-DNA position 1289, C replaced by G.
Protein change: p.Ala430Gly; replaces alanine 430 with glycine.
Molecular consequence: missense variant.
Genome position (GRCh38, 1-based): chr2:189,068,239, G>C on the plus strand (C>G on the coding strand, the complement: COL5A2 is on the minus strand). VCF-style: chr2-189068239-G-C. GRCh37 (hg19) VCF-style: chr2-189932965-G-C.
Other names: short protein forms A430G.
Identifiers: ClinVar variation 2920858 (VCV002920858.1), dbSNP rs2105604156, ClinGen allele CA349852971.

ClinVar aggregate classification (germline): Uncertain significance (1 of 4 stars; one submission).

Conditions:
Ehlers-Danlos syndrome, classic type, 2 (EDSCL2). Also called: Ehlers-Danlos syndrome, type 2; Ehlers-Danlos Syndrome, Classic Type, COL5A2-Related; Ehlers-Danlos syndrome type 2 (formerly). Identifiers: Orphanet 287, Orphanet 90318, MedGen C0268336, MONDO:0019568, OMIM 130010.

Submission:

ARUP Laboratories, Molecular Genetics and Genomics, ARUP Laboratories
Classification: Uncertain significance for Ehlers-Danlos syndrome, classic type, 2. Last evaluated: 2022-12-22. Review status: criteria provided, single submitter. Criteria: ARUP Molecular Germline Variant Investigation Process 2024. Collection method: clinical testing. Allele origin: germline.
Comment: The COL5A2 c.1289C>G; p.Ala430Gly variant, to our knowledge, is not reported in the medical literature or gene specific databases. This variant is also absent from general population databases (Exome Variant Server, Genome Aggregation Database), indicating it is not a common polymorphism. The alanine at codon 430 is highly conserved, and computational analyses are uncertain whether this variant is neutral or deleterious (REVEL: 0.465). Due to limited information, the clinical significance of the p.Ala430Gly variant is uncertain at this time.